The following is an entry in ClinVar:

NM_015662.3(IFT172):c.307A>T (p.Lys103Ter)

Gene: IFT172 (intraflagellar transport 172; minus strand). Cytogenetic location: 2p23.3.
Variant type: single nucleotide variant.
Coding change: c.307A>T on transcript NM_015662.3 (MANE Select); coding-DNA position 307, A replaced by T.
Protein change: p.Lys103Ter; replaces lysine 103 with a stop codon.
Molecular consequence: nonsense.
Genome position (GRCh38, 1-based): chr2:27,484,256, T>A on the plus strand (A>T on the coding strand, the complement: IFT172 is on the minus strand). VCF-style: chr2-27484256-T-A. GRCh37 (hg19) VCF-style: chr2-27707123-T-A.
Other names: c.307A>T, p.Lys103Ter (NM_001410739.1); short protein forms K103*.
Identifiers: ClinVar variation 3775713 (VCV003775713.1).

ClinVar aggregate classification (germline): Likely pathogenic (1 of 4 stars; one submission).

Conditions:
Retinitis pigmentosa 71 (RP71). Identifiers: Orphanet 791, MedGen C4225342, MONDO:0014618, OMIM 616394.

Submission:

3billion
Classification: Likely pathogenic for Retinitis pigmentosa 71. Last evaluated: 2024-01-03. Review status: criteria provided, single submitter. Criteria: ACMG Guidelines, 2015. Collection method: clinical testing. Allele origin: germline. Affected: yes.
Comment: The variant is not observed in the gnomAD v2.1.1 dataset. Predicted Consequence/Location: Stop-gained (nonsense): predicted to result in a loss or disruption of normal protein function through nonsense-mediated decay (NMD) or protein truncation. Multiple pathogenic variants are reported downstream of the variant. Therefore, this variant is classified as Likely pathogenic according to the recommendation of ACMG/AMP guideline.